The following is an entry in ClinVar:

NM_201596.3(CACNB2):c.1471C>G (p.Leu491Val)

Gene: CACNB2 (calcium voltage-gated channel auxiliary subunit beta 2; plus strand). Cytogenetic location: 10p12.31.
Variant type: single nucleotide variant.
Coding change: c.1471C>G on transcript NM_201596.3 (MANE Select); coding-DNA position 1471, C replaced by G.
Protein change: p.Leu491Val; replaces leucine 491 with valine.
Molecular consequence: missense variant.
Genome position (GRCh38, 1-based): chr10:18,538,348, C>G. VCF-style: chr10-18538348-C-G. GRCh37 (hg19) VCF-style: chr10-18827277-C-G.
Other names: c.1387C>G, p.Leu463Val (NM_201571.4); c.1315C>G, p.Leu439Val (NM_201572.4); c.1309C>G, p.Leu437Val (NM_201590.3); c.1357C>G, p.Leu453Val (NM_201593.3); c.1399C>G, p.Leu467Val (NM_201597.3); c.1306C>G, p.Leu436Val (NM_000724.4); c.1273C>G, p.Leu425Val (NM_001167945.2); c.1192C>G, p.Leu398Val (NM_001330060.2); and 2 more; short protein forms L436V, L453V, L467V, L491V, L398V, L443V, L463V, L405V.
Identifiers: ClinVar variation 2561515 (VCV002561515.4), dbSNP rs771856157, ClinGen allele CA5430034.
Genomic context (GRCh38, chr10:18,538,348, plus strand): 5'-CTCCCCAACCCTCTCCTTAGCCGTACATTAGCCACTTCAAGTCTGCCTCTTAGCCCCACC[C>G]TAGCCTCTAATTCACAGGTAAGGGGAGTTTTTATATATATCTATATATACAATCTTCATA-3'
Protein context (NP_963890.2, residues 481-501): ATSSLPLSPT[Leu491Val]ASNSQGSQGD

ClinVar aggregate classification (germline): Conflicting classifications of pathogenicity. Review status: criteria provided, conflicting classifications (1 of 4 stars). 2 submissions from 2 submitters: Uncertain significance (1); Likely benign (1). Last evaluated 2026-01-06.

Conditions:
Cardiovascular phenotype. Identifiers: MedGen CN230736.
CACNB2-related disorder. Also called: CACNB2-related condition.

Allele frequency attached by ClinVar (database versions not stated): ExAC 0.00001; gnomAD exomes 0.00001; TOPMed 0.00001.
gnomAD v4.1: 15 of 1,612,638 alleles (0.00093%); highest among the groups gnomAD compares: Admixed American, 0.0033%; no homozygotes.

Submissions (2):

PreventionGenetics, part of Exact Sciences
Classification: Uncertain significance for CACNB2-related condition. Last evaluated: 2026-01-06. Review status: criteria provided, single submitter. Criteria: ACMG Guidelines, 2015. Collection method: clinical testing. Allele origin: germline.
Comment: The CACNB2 c.1309C>G variant is predicted to result in the amino acid substitution p.Leu437Val. To our knowledge, this variant has not been reported in the literature. This variant is reported in 0.0056% of alleles in individuals of Latino descent in gnomAD. At this time, the clinical significance of this variant is uncertain due to the absence of conclusive functional and genetic evidence.

Ambry Genetics
Classification: Likely benign for Cardiovascular phenotype. Last evaluated: 2025-02-27. Review status: criteria provided, single submitter. Criteria: Ambry Variant Classification Scheme 2023. Collection method: clinical testing. Allele origin: germline.